The following is an entry in ClinVar:

ClinVar aggregate classification (germline): Uncertain significance (1 of 4 stars; one submission).

gnomAD v4.1: 47 of 1,550,414 alleles (0.003%); highest among the groups gnomAD compares: African/African-American, 0.059%; no homozygotes.

Submission:

Women's Health and Genetics/Laboratory Corporation of America, LabCorp
Classification: Uncertain significance. Last evaluated: 2026-01-06. Review status: criteria provided, single submitter. Criteria: LabCorp Variant Classification Summary - May 2015. Collection method: clinical testing. Allele origin: germline.
Comment: Variant summary: GHRHR c.-14C>T is located in the untranslated mRNA region upstream of the initiation codon. The variant allele was found at a frequency of 4.5e-05 in 155202 control chromosomes. The available data on variant occurrences in the general population are insufficient to allow any conclusion about variant significance. To our knowledge, no occurrence of c.-14C>T in individuals affected with GHRHR-related conditions and no experimental evidence demonstrating its impact on protein function have been reported. No submitters have cited clinical-significance assessments for this variant to ClinVar. Based on the evidence outlined above, the variant was classified as uncertain significance.

NM_000823.4(GHRHR):c.-14C>T

Gene: GHRHR (growth hormone releasing hormone receptor; plus strand). Cytogenetic location: 7p14.3.
Variant type: single nucleotide variant.
Coding change: c.-14C>T on transcript NM_000823.4 (MANE Select); 14 bases upstream of the start codon, C replaced by T.
Molecular consequence: 5 prime UTR variant.
Genome position (GRCh38, 1-based): chr7:30,964,055, C>T. VCF-style: chr7-30964055-C-T. GRCh37 (hg19) VCF-style: chr7-31003670-C-T.
Identifiers: ClinVar variation 4689624 (VCV004689624.1).